The following is an entry in ClinVar:

ClinVar aggregate classification (germline): Uncertain significance. Review status: criteria provided, multiple submitters, no conflicts (2 of 4 stars). 2 submissions from 2 submitters: Uncertain significance (2). Last evaluated 2023-10-13.

Conditions:
Hereditary cancer-predisposing syndrome. Also called: Tumor predisposition; Neoplastic Syndromes, Hereditary; Hereditary neoplastic syndrome; Hereditary Cancer Syndrome. Identifiers: Orphanet 140162, MedGen C0027672, MeSH D009386, MONDO:0015356.
Multiple endocrine neoplasia, type 2 (MEN2). Identifiers: Orphanet 653, MedGen C4048306, MONDO:0019003. Disease mechanism: gain of function.

Submissions (2):

Ambry Genetics
Classification: Uncertain significance for Hereditary cancer-predisposing syndrome. Last evaluated: 2023-10-13. Review status: criteria provided, single submitter. Criteria: Ambry Variant Classification Scheme 2023. Collection method: clinical testing. Allele origin: germline.
Comment: The p.T753A variant (also known as c.2257A>G), located in coding exon 12 of the RET gene, results from an A to G substitution at nucleotide position 2257. The threonine at codon 753 is replaced by alanine, an amino acid with similar properties. This amino acid position is conserved. In addition, this alteration is predicted to be deleterious by in silico analysis. Since supporting evidence is limited at this time, the clinical significance of this alteration remains unclear.

Labcorp Genetics (formerly Invitae), Labcorp
Classification: Uncertain significance for Multiple endocrine neoplasia, type 2. Last evaluated: 2020-06-17. Review status: criteria provided, single submitter. Criteria: Invitae Variant Classification Sherloc (09022015). Collection method: clinical testing. Allele origin: germline.
Comment: This sequence change replaces threonine with alanine at codon 753 of the RET protein (p.Thr753Ala). The threonine residue is highly conserved and there is a small physicochemical difference between threonine and alanine. This variant is not present in population databases (ExAC no frequency). In summary, the available evidence is currently insufficient to determine the role of this variant in disease. Therefore, it has been classified as a Variant of Uncertain Significance. This variant has not been reported in the literature in individuals with RET-related conditions. Algorithms developed to predict the effect of missense changes on protein structure and function are either unavailable or do not agree on the potential impact of this missense change (SIFT: "Deleterious"; PolyPhen-2: "Benign"; Align-GVGD: "Class C0"). Algorithms developed to predict the effect of sequence changes on RNA splicing suggest that this variant may create or strengthen a splice site, but this prediction has not been confirmed by published transcriptional studies.

NM_020975.6(RET):c.2257A>G (p.Thr753Ala)

Gene: RET (ret proto-oncogene; plus strand). Cytogenetic location: 10q11.21.
Variant type: single nucleotide variant.
Coding change: c.2257A>G on transcript NM_020975.6 (MANE Select); coding-DNA position 2257, A replaced by G.
Protein change: p.Thr753Ala; replaces threonine 753 with alanine.
Molecular consequence: missense variant.
Genome position (GRCh38, 1-based): chr10:43,116,704, A>G. VCF-style: chr10-43116704-A-G. GRCh37 (hg19) VCF-style: chr10-43612152-A-G.
Other names: c.2257A>G, p.Thr753Ala (NM_000323.2, NM_001406743.1, NM_001406744.1 and 4 more transcripts); c.1495A>G, p.Thr499Ala (NM_001355216.2); c.2128A>G, p.Thr710Ala (NM_001406761.1, NM_001406762.1, NM_001406764.1); c.2122A>G, p.Thr708Ala (NM_001406763.1, NM_001406765.1); c.1969A>G, p.Thr657Ala (NM_001406766.1, NM_001406767.1, NM_001406770.1); c.1993A>G, p.Thr665Ala (NM_001406768.1); c.1861A>G, p.Thr621Ala (NM_001406769.1, NM_001406772.1); c.1819A>G, p.Thr607Ala (NM_001406771.1, NM_001406773.1); and 10 more; short protein forms T499A, T753A, T411A, T414A, T454A, T511A, T318A, T358A.
Identifiers: ClinVar variation 1018126 (VCV001018126.10), dbSNP rs1838079291, ClinGen allele CA376554798.
Genomic context (GRCh38, chr10:43,116,704, plus strand): 5'-GGCGAATTTGGAAAAGTGGTCAAGGCAACGGCCTTCCATCTGAAAGGCAGAGCAGGGTAC[A>G]CCACGGTGGCCGTGAAGATGCTGAAAGGTACCTGCCAGGCACAGGCACAGTGCCCCTGGG-3'
Protein context (NP_066124.1, residues 743-763): AFHLKGRAGY[Thr753Ala]TVAVKMLKEN